The following is an entry in ClinVar:

NM_017882.3(CLN6):c.640G>A (p.Val214Met)

Gene: CLN6 (CLN6 transmembrane ER protein; minus strand). Cytogenetic location: 15q23.
Variant type: single nucleotide variant.
Coding change: c.640G>A on transcript NM_017882.3 (MANE Select); coding-DNA position 640, G replaced by A.
Protein change: p.Val214Met; replaces valine 214 with methionine.
Molecular consequence: missense variant.
Genome position (GRCh38, 1-based): chr15:68,209,662, C>T on the plus strand (G>A on the coding strand, the complement: CLN6 is on the minus strand). VCF-style: chr15-68209662-C-T. GRCh37 (hg19) VCF-style: chr15-68502000-C-T.
Other names: c.736G>A, p.Val246Met (NM_001411068.1); short protein forms V214M, V246M.
Identifiers: ClinVar variation 1961576 (VCV001961576.2), dbSNP rs765491294, ClinGen allele CA7630519.

ClinVar aggregate classification (germline): Uncertain significance (1 of 4 stars; one submission).

Conditions:
Neuronal ceroid lipofuscinosis. Also called: Neuronal Ceroid Lipofuscinoses. Identifiers: Orphanet 216, Orphanet 79263, MedGen C0027877, MONDO:0016295. Disease mechanism: loss of function.

Allele frequency attached by ClinVar (database versions not stated): ExAC 0.00001; TOPMed 0.00001.
gnomAD v4.1: 9 of 1,613,382 alleles (0.00056%); highest among the groups gnomAD compares: Admixed American, 0.013%; no homozygotes.

Submission:

Labcorp Genetics (formerly Invitae), Labcorp
Classification: Uncertain significance for Neuronal ceroid lipofuscinosis. Last evaluated: 2022-10-24. Review status: criteria provided, single submitter. Criteria: Invitae Variant Classification Sherloc (09022015). Collection method: clinical testing. Allele origin: germline.
Comment: This sequence change replaces valine, which is neutral and non-polar, with methionine, which is neutral and non-polar, at codon 214 of the CLN6 protein (p.Val214Met). This variant is present in population databases (rs765491294, gnomAD 0.02%). This variant has not been reported in the literature in individuals affected with CLN6-related conditions. Advanced modeling of protein sequence and biophysical properties (such as structural, functional, and spatial information, amino acid conservation, physicochemical variation, residue mobility, and thermodynamic stability) performed at Invitae indicates that this missense variant is not expected to disrupt CLN6 protein function. In summary, the available evidence is currently insufficient to determine the role of this variant in disease. Therefore, it has been classified as a Variant of Uncertain Significance.